The following is an entry in ClinVar:

NM_206933.4(USH2A):c.14516C>T (p.Thr4839Met)

Gene: USH2A (usherin; minus strand). Cytogenetic location: 1q41.
Variant type: single nucleotide variant.
Coding change: c.14516C>T on transcript NM_206933.4 (MANE Select); coding-DNA position 14516, C replaced by T.
Protein change: p.Thr4839Met; replaces threonine 4839 with methionine.
Molecular consequence: missense variant.
Genome position (GRCh38, 1-based): chr1:215,648,594, G>A on the plus strand (C>T on the coding strand, the complement: USH2A is on the minus strand). VCF-style: chr1-215648594-G-A. GRCh37 (hg19) VCF-style: chr1-215821936-G-A.
Other names: short protein forms T4839M.
Identifiers: ClinVar variation 48440 (VCV000048440.24), dbSNP rs139065588, ClinGen allele CA143356.

ClinVar aggregate classification (germline): Conflicting classifications of pathogenicity. Review status: criteria provided, conflicting classifications (1 of 4 stars). 10 submissions from 9 submitters: Uncertain significance (3); Likely benign (5). 2 of the submissions do not count toward it. Last evaluated 2026-04-23.

Conditions:
Retinal dystrophy. Also called: Inherited retinal dystrophy. Identifiers: Orphanet 71862, MedGen C0854723, MeSH D058499, MONDO:0019118, HP:0000556.
USH2A-related disorder. Also called: USH2A-related disorders; USH2A-related condition. Identifiers: MedGen CN239332.
Usher syndrome type 2A. Also called: RETINAL DISEASE IN USHER SYNDROME TYPE IIA, MODIFIER OF; USHER SYNDROME, TYPE IIA. Identifiers: Orphanet 231178, Orphanet 886, MedGen C1848634, MONDO:0010169, OMIM 276901.
Retinitis pigmentosa 39 (RP39). Identifiers: Orphanet 791, MedGen C3151138, MONDO:0013436, OMIM 613809.

Allele frequency attached by ClinVar (database versions not stated): gnomAD exomes 0.00008 and 0.00010; ExAC 0.00010; gnomAD 0.00011; ESP Exome Variant Server 0.00015; 1000 Genomes Project 30x 0.00016; TOPMed 0.00016; 1000 Genomes Project 0.00020.
gnomAD v4.1: 170 of 1,614,176 alleles (0.011%); highest among the groups gnomAD compares: Middle Eastern, 0.049%; no homozygotes.

Submissions (10):

PreventionGenetics, part of Exact Sciences
Classification: Uncertain significance for USH2A-related condition. Last evaluated: 2026-04-23. Review status: criteria provided, single submitter. Criteria: ACMG Guidelines, 2015. Collection method: clinical testing. Allele origin: germline.
Comment: The USH2A c.14516C>T variant is predicted to result in the amino acid substitution p.Thr4839Met. To our knowledge, this variant has not been reported in the literature. This variant is reported in 0.032% of alleles in individuals of African descent in gnomAD. At this time, the clinical significance of this variant is uncertain due to the absence of conclusive functional and genetic evidence.

Labcorp Genetics (formerly Invitae), Labcorp
Classification: Likely benign. Last evaluated: 2025-12-31. Review status: criteria provided, single submitter. Criteria: Invitae Variant Classification Sherloc (09022015). Collection method: clinical testing. Allele origin: germline.

GeneDx
Classification: Uncertain significance. Last evaluated: 2023-12-14. Review status: criteria provided, single submitter. Criteria: GeneDx Variant Classification Process June 2021. Collection method: clinical testing. Allele origin: germline. Affected: yes.
Comment: In silico analysis supports that this missense variant does not alter protein structure/function; Has not been previously published as pathogenic or benign to our knowledge

Dept Of Ophthalmology, Nagoya University
Classification: Uncertain significance for Retinal dystrophy. Last evaluated: 2023-10-01. Review status: criteria provided, single submitter. Criteria: Submitter's publication. Collection method: research. Allele origin: germline. Affected: yes.

Blueprint Genetics
Classification: Likely benign. Last evaluated: 2022-11-03. Review status: criteria provided, single submitter. Criteria: ACMG Guidelines, 2015. Collection method: clinical testing. Allele origin: germline.

Genome-Nilou Lab
Classification: Likely benign for Usher syndrome type 2A. Last evaluated: 2021-07-22. Review status: criteria provided, single submitter. Criteria: ACMG Guidelines, 2015. Collection method: clinical testing. Allele origin: germline. Affected: no.

Genome-Nilou Lab
Classification: Likely benign for Retinitis pigmentosa 39. Last evaluated: 2021-07-22. Review status: criteria provided, single submitter. Criteria: ACMG Guidelines, 2015. Collection method: clinical testing. Allele origin: germline. Affected: no.

Laboratory for Molecular Medicine, Mass General Brigham Personalized Medicine
Classification: Likely benign. Last evaluated: 2015-08-26. Review status: criteria provided, single submitter. Criteria: LMM Criteria. Collection method: clinical testing. Allele origin: germline. Observed: 2 variant alleles.
Comment: p.Thr4839Met in exon 66 of USH2A: This variant is not expected to have clinical significance due to a lack of conservation across species, including mammals. Of note, 8 mammals have a methionine at this position despite high nearby amino ac id conservation. This variant has been identified in 12/121404 total chromosome s by the Exome Aggregation Consortium and was present in several populations (Ex AC; dbSNP rs139065588).

Natera, Inc.
Classification: Uncertain significance for Usher syndrome type 2A. Last evaluated: 2020-01-24. Review status: no assertion criteria provided. Collection method: clinical testing. Allele origin: germline. Not counted in ClinVar's aggregate classification.

Counsyl
Classification: Uncertain significance for Usher syndrome type 2A; Retinitis pigmentosa 39. Last evaluated: 2017-02-17. Review status: no assertion criteria provided. Collection method: clinical testing. Allele origin: unknown. Not counted in ClinVar's aggregate classification.